The following is an entry in ClinVar:

ClinVar aggregate classification (germline): Uncertain significance (1 of 4 stars; one submission).

gnomAD v4.1: 2 of 1,614,266 alleles (0.00012%); highest among the groups gnomAD compares: Non-Finnish European, 0.00017%; no homozygotes.

Submission:

Women's Health and Genetics/Laboratory Corporation of America, LabCorp
Classification: Uncertain significance. Last evaluated: 2025-07-18. Review status: criteria provided, single submitter. Criteria: LabCorp Variant Classification Summary - May 2015. Collection method: clinical testing. Allele origin: germline.
Comment: Variant summary: KAT6B c.5843A>G (p.Gln1948Arg) results in a conservative amino acid change in the encoded protein sequence. Algorithms developed to predict the effect of missense changes on protein structure and function are either unavailable or do not agree on the potential impact of this missense change. The variant was absent in 251478 control chromosomes. The available data on variant occurrences in the general population are insufficient to allow any conclusion about variant significance. To our knowledge, no occurrence of c.5843A>G in individuals affected with KAT6B-Related Spectrum Disorders and no experimental evidence demonstrating its impact on protein function have been reported. No submitters have cited clinical-significance assessments for this variant to ClinVar. Based on the evidence outlined above, the variant was classified as uncertain significance.

NM_012330.4(KAT6B):c.5843A>G (p.Gln1948Arg)

Gene: KAT6B (lysine acetyltransferase 6B; plus strand). Cytogenetic location: 10q22.2.
Variant type: single nucleotide variant.
Coding change: c.5843A>G on transcript NM_012330.4 (MANE Select); coding-DNA position 5843, A replaced by G.
Protein change: p.Gln1948Arg; replaces glutamine 1948 with arginine.
Molecular consequence: missense variant.
Genome position (GRCh38, 1-based): chr10:75,030,667, A>G. VCF-style: chr10-75030667-A-G. GRCh37 (hg19) VCF-style: chr10-76790425-A-G.
Other names: c.5294A>G, p.Gln1765Arg (NM_001256468.2, NM_001370138.1); c.4967A>G, p.Gln1656Arg (NM_001256469.2, NM_001370139.1, NM_001370140.1 and 2 more transcripts); c.4805A>G, p.Gln1602Arg (NM_001370132.1); c.4154A>G, p.Gln1385Arg (NM_001370133.1); c.3758A>G, p.Gln1253Arg (NM_001370134.1); c.3500A>G, p.Gln1167Arg (NM_001370135.1); c.5843A>G, p.Gln1948Arg (NM_001370136.1, NM_001370137.1); c.4778A>G, p.Gln1593Arg (NM_001370143.1, NM_001370144.1); short protein forms Q1385R, Q1253R, Q1593R, Q1167R, Q1656R, Q1948R, Q1602R, Q1765R.
Identifiers: ClinVar variation 4525771 (VCV004525771.1).
Genomic context (GRCh38, chr10:75,030,667, plus strand): 5'-AGTCAGCGTCTCTGTCACCAGCCGCTGCCACCCATCAGTCACAAATCTATGGGCGCTCCC[A>G]GACTGTAGCCATGCAGGGTCCTGCACGGACTTTAACGATGCAAAGAGGCATGAACATGAG-3'
Protein context (NP_036462.2, residues 1938-1958): THQSQIYGRS[Gln1948Arg]TVAMQGPART